The following is an entry in ClinVar:

ClinVar aggregate classification (germline): Uncertain significance (1 of 4 stars; one submission).

gnomAD v4.1: 4 of 1,610,912 alleles (0.00025%); highest among the groups gnomAD compares: Admixed American, 0.0017%; no homozygotes.

Submission:

Labcorp Genetics (formerly Invitae), Labcorp
Classification: Uncertain significance. Last evaluated: 2025-01-23. Review status: criteria provided, single submitter. Criteria: Invitae Variant Classification Sherloc (09022015). Collection method: clinical testing. Allele origin: germline.
Comment: This sequence change replaces glutamic acid, which is acidic and polar, with lysine, which is basic and polar, at codon 231 of the FGFR3 protein (p.Glu231Lys). The frequency data for this variant in the population databases is considered unreliable, as metrics indicate poor data quality at this position in the gnomAD database. This variant has not been reported in the literature in individuals affected with FGFR3-related conditions. Invitae Evidence Modeling of protein sequence and biophysical properties (such as structural, functional, and spatial information, amino acid conservation, physicochemical variation, residue mobility, and thermodynamic stability) has been performed for this missense variant. However, the output from this modeling did not meet the statistical confidence thresholds required to predict the impact of this variant on FGFR3 protein function. In summary, the available evidence is currently insufficient to determine the role of this variant in disease. Therefore, it has been classified as a Variant of Uncertain Significance.

NM_000142.5(FGFR3):c.691G>A (p.Glu231Lys)

Gene: FGFR3 (fibroblast growth factor receptor 3; plus strand). Cytogenetic location: 4p16.3.
Variant type: single nucleotide variant.
Coding change: c.691G>A on transcript NM_000142.5 (MANE Select); coding-DNA position 691, G replaced by A.
Protein change: p.Glu231Lys; replaces glutamic acid 231 with lysine.
Molecular consequence: missense variant. On other transcripts: non-coding transcript variant (1).
Genome position (GRCh38, 1-based): chr4:1,801,695, G>A. VCF-style: chr4-1801695-G-A. GRCh37 (hg19) VCF-style: chr4-1803422-G-A.
Other names: c.691G>A, p.Glu231Lys (NM_001163213.2, NM_001354809.2, NM_001354810.2 and 1 more transcripts); short protein forms E231K.
Identifiers: ClinVar variation 3621977 (VCV003621977.2).